The following is an entry in ClinVar:

NM_006790.3(MYOT):c.1467A>G (p.Gln489=)

Genes: MYOT (myotilin; plus strand), PKD2L2-DT (PKD2L2 divergent transcript; minus strand). Cytogenetic location: 5q31.2.
Variant type: single nucleotide variant.
Coding change: c.1467A>G on transcript NM_006790.3 (MANE Select); coding-DNA position 1467, A replaced by G.
Protein change: p.Gln489=; no amino-acid change (glutamine 489 retained).
Molecular consequence: synonymous variant.
Genome position (GRCh38, 1-based): chr5:137,887,355, A>G. VCF-style: chr5-137887355-A-G. GRCh37 (hg19) VCF-style: chr5-137223044-A-G.
Other names: c.915A>G, p.Gln305= (NM_001135940.2); c.1122A>G, p.Gln374= (NM_001300911.2).
Identifiers: ClinVar variation 5002345 (VCV005002345.1).
Genomic context (GRCh38, chr5:137,887,355, plus strand): 5'-AGGTTTGAATGTAAAACAAGCTTTTAACCCAGAAGGAGAATTTCAGCGTTTGGCAGCTCA[A>G]TCTGGACTCTATGAAAGTGAAGAACTTTAATAACTTTACCAACATTGGAAAACAGCCAAC-3'
Protein context (NP_006781.1, residues 479-498): PEGEFQRLAA[Gln489=]SGLYESEEL

ClinVar aggregate classification (germline): Likely benign (1 of 4 stars; one submission).

Conditions:
MYOT-related disorder. Also called: MYOT-related condition.

gnomAD v4.1: 7 of 1,613,926 alleles (0.00043%); highest among the groups gnomAD compares: Non-Finnish European, 0.00059%; no homozygotes.

Submission:

PreventionGenetics, part of Exact Sciences
Classification: Likely benign for MYOT-related condition. Last evaluated: 2025-06-09. Review status: criteria provided, single submitter. Criteria: ACMG Guidelines, 2015. Collection method: clinical testing. Allele origin: germline.
Comment: This variant is classified as likely benign based on ACMG/AMP sequence variant interpretation guidelines (Richards et al. 2015 PMID: 25741868, with internal and published modifications).